The following is an entry in ClinVar:

NM_001267550.2(TTN):c.62197_62198insC (p.Cys20733fs)

Genes: TTN (titin; minus strand), TTN-AS1 (TTN antisense RNA 1; plus strand). Cytogenetic location: 2q31.2.
Variant type: Insertion.
Coding change: c.62197_62198insC on transcript NM_001267550.2 (MANE Select); coding-DNA positions 62197 to 62198, C inserted.
Protein change: p.Cys20733fs; shifts the reading frame from cysteine 20733.
Molecular consequence: frameshift variant.
Genome position: GRCh38 VCF-style: chr2-178589527-C-CG. GRCh37 (hg19) VCF-style: chr2-179454254-C-CG.
Other names: c.57274_57275insC, p.Cys19092fs (NM_001256850.1); c.35002_35003insC, p.Cys11668fs (NM_003319.4); c.54493_54494insC, p.Cys18165fs (NM_133378.4); c.35377_35378insC, p.Cys11793fs (NM_133432.3); c.35578_35579insC, p.Cys11860fs (NM_133437.4); short protein forms C20733fs, C18165fs, C11668fs, C11860fs, C19092fs, C11793fs.
Identifiers: ClinVar variation 1732064 (VCV001732064.2), dbSNP rs2469397711, ClinGen allele CA2580064648.

ClinVar aggregate classification (germline): Likely pathogenic (1 of 4 stars; one submission).

Conditions:
Cardiovascular phenotype. Identifiers: MedGen CN230736.

Submission:

Ambry Genetics
Classification: Likely pathogenic for Cardiovascular phenotype. Last evaluated: 2018-11-26. Review status: criteria provided, single submitter. Criteria: Ambry Variant Classification Scheme 2023. Collection method: clinical testing. Allele origin: germline.
Comment: The c.35002_35003insC variant, located in coding exon 131 of the TTN gene, results from an insertion of one nucleotide at position 35002, causing a translational frameshift with a predicted alternate stop codon (p.C11668Sfs*3). This exon is located in the A-band region of the N2-B isoform of the titin protein and is constitutively expressed in TTN transcripts (percent spliced in or PSI 100%). While truncating variants in TTN are present in 1-3% of the general population, truncating variants in the A-band are the most common cause of dilated cardiomyopathy (DCM) (Herman DS et al. N. Engl. J. Med. 2012 Feb;366:619-28; Roberts AM et al. Sci Transl Med. 2015 Jan;7:270ra6). TTN truncating variants encoded in constitutive exons (PSI >90%) have been found to be significantly associated with DCM regardless of their position in titin (Schafer S et al. Nat. Genet. 2017 Jan;49:46-53). This alteration is expected to result in loss of function by premature protein truncation or nonsense-mediated mRNA decay. As such, this alteration is classified as likely pathogenic.